The following is an entry in ClinVar:

NM_001029896.2(WDR45):c.283C>T (p.Leu95=)

Gene: WDR45 (WD repeat domain 45; minus strand). Cytogenetic location: Xp11.23.
Variant type: single nucleotide variant.
Coding change: c.283C>T on transcript NM_001029896.2 (MANE Select); coding-DNA position 283, C replaced by T.
Protein change: p.Leu95=; no amino-acid change (leucine 95 retained).
Molecular consequence: synonymous variant.
Genome position (GRCh38, 1-based): chrX:49,076,703, G>A on the plus strand (C>T on the coding strand, the complement: WDR45 is on the minus strand). VCF-style: chrX-49076703-G-A. GRCh37 (hg19) VCF-style: chrX-48934362-G-A.
Other names: c.286C>T, p.Leu96= (NM_007075.4).
Identifiers: ClinVar variation 2201439 (VCV002201439.11), dbSNP rs2065040026, ClinGen allele CA516044039.

ClinVar aggregate classification (germline): Likely benign. Review status: criteria provided, multiple submitters, no conflicts (2 of 4 stars). 2 submissions from 2 submitters: Likely benign (2). Last evaluated 2025-03-01.

Conditions:
Neurodegeneration with brain iron accumulation 5 (NBIA5). Also called: Beta-propeller protein-associated neurodegeneration; STATIC ENCEPHALOPATHY OF CHILDHOOD WITH NEURODEGENERATION IN ADULTHOOD. Identifiers: Orphanet 329284, MedGen C3550973, MONDO:0010476, OMIM 300894.

Allele frequency attached by ClinVar (database versions not stated): gnomAD exomes below 0.00001.
gnomAD v4.1: 1 of 1,210,518 alleles (0.000083%); highest among the groups gnomAD compares: Admixed American, 0.0022%; no homozygotes.

Submissions (2):

CeGaT Center for Human Genetics Tuebingen
Classification: Likely benign. Last evaluated: 2025-03-01. Review status: criteria provided, single submitter. Criteria: CeGaT Center For Human Genetics Tuebingen Variant Classification Criteria Version 2. Collection method: clinical testing. Allele origin: germline. Affected: yes. Observed: 1 variant allele.
Comment: WDR45: BP4, BP7

Labcorp Genetics (formerly Invitae), Labcorp
Classification: Likely benign for Neurodegeneration with brain iron accumulation 5. Last evaluated: 2022-08-20. Review status: criteria provided, single submitter. Criteria: Invitae Variant Classification Sherloc (09022015). Collection method: clinical testing. Allele origin: germline.